The following is an entry in ClinVar:

ClinVar aggregate classification (germline): Uncertain significance. Review status: criteria provided, multiple submitters, no conflicts (2 of 4 stars). 2 submissions from 2 submitters: Uncertain significance (2). Last evaluated 2025-03-18.

Conditions:
Inborn genetic diseases. Identifiers: MedGen C0950123, MeSH D030342.

Submissions (2):

Ambry Genetics
Classification: Uncertain significance for Inborn genetic diseases. Last evaluated: 2025-03-18. Review status: criteria provided, single submitter. Criteria: Ambry Variant Classification Scheme 2023. Collection method: clinical testing. Allele origin: germline.

Mayo Clinic Laboratories, Mayo Clinic
Classification: Uncertain significance. Last evaluated: 2023-11-16. Review status: criteria provided, single submitter. Criteria: ACMG Guidelines, 2015. Collection method: clinical testing. Allele origin: germline. Observed: 1 variant allele.
Comment: BP4, PM2

NM_182943.3(PLOD2):c.877G>A (p.Asp293Asn)

Gene: PLOD2 (procollagen-lysine,2-oxoglutarate 5-dioxygenase 2; minus strand). Cytogenetic location: 3q24.
Variant type: single nucleotide variant.
Coding change: c.877G>A on transcript NM_182943.3 (MANE Select); coding-DNA position 877, G replaced by A.
Protein change: p.Asp293Asn; replaces aspartic acid 293 with asparagine.
Molecular consequence: missense variant.
Genome position (GRCh38, 1-based): chr3:146,091,802, C>T on the plus strand (G>A on the coding strand, the complement: PLOD2 is on the minus strand). VCF-style: chr3-146091802-C-T. GRCh37 (hg19) VCF-style: chr3-145809589-C-T.
Other names: p.Asp293Asn; c.877G>A, p.Asp293Asn (NM_000935.3); short protein forms D293N.
Identifiers: ClinVar variation 3379500 (VCV003379500.2).